The following is an entry in ClinVar:

NM_183050.4(BCKDHB):c.965C>T (p.Thr322Ile)

Gene: BCKDHB (branched chain keto acid dehydrogenase E1 subunit beta; plus strand). Cytogenetic location: 6q14.1.
Variant type: single nucleotide variant.
Coding change: c.965C>T on transcript NM_183050.4 (MANE Select); coding-DNA position 965, C replaced by T.
Protein change: p.Thr322Ile; replaces threonine 322 with isoleucine.
Molecular consequence: missense variant. On other transcripts: non-coding transcript variant (6).
Genome position (GRCh38, 1-based): chr6:80,273,148, C>T. VCF-style: chr6-80273148-C-T. GRCh37 (hg19) VCF-style: chr6-80982865-C-T.
Other names: c.965C>T, p.Thr322Ile (NM_001424036.1, NM_001424037.1, NM_001424038.1 and 5 more transcripts); c.755C>T, p.Thr252Ile (NM_001318975.1, NM_001424043.1); short protein forms T252I, T322I.
Identifiers: ClinVar variation 4817029 (VCV004817029.1).

ClinVar aggregate classification (germline): Likely pathogenic (1 of 4 stars; one submission).

Conditions:
Maple syrup urine disease type 1B (MSUD1B). Also called: MSUD type IB; MSUD type 3 (formerly); MSUD due to deficiency of e1-beta subunit of branched-chain alpha-keto acid dehydrogenase complex. Identifiers: MedGen C2930990, MONDO:0023692, OMIM 620698.

Submission:

Natera, Inc.
Classification: Likely pathogenic for Maple syrup urine disease type 1B. Last evaluated: 2025-10-30. Review status: criteria provided, single submitter. Criteria: Natera Variant Classification Schema (03/2026). Collection method: clinical testing. Allele origin: germline.
Comment: The c.965C>T variant in BCKDHB is a missense variant predicted to cause substitution of threonine to isoleucine at amino acid 322. This variant is rare in the general population with a frequency below the threshold expected for the associated phenotype(s). This variant has been observed in one or more individuals affected with the associated recessive disease, as either homozygous or compound heterozygous with a second variant (PMID: 31610500). A different variant at the same position has been determined to be Pathogenic or Likely Pathogenic. Computational prediction algorithms indicate this variant is likely to affect gene or protein function. Given the available evidence, this variant is classified as Likely Pathogenic.

Literature cited by the submitters: PubMed 31610500.